The following is an entry in ClinVar:

NM_006766.5(KAT6A):c.4504G>C (p.Val1502Leu)

Gene: KAT6A (lysine acetyltransferase 6A; minus strand). Cytogenetic location: 8p11.21.
Variant type: single nucleotide variant.
Coding change: c.4504G>C on transcript NM_006766.5 (MANE Select); coding-DNA position 4504, G replaced by C.
Protein change: p.Val1502Leu; replaces valine 1502 with leucine.
Molecular consequence: missense variant.
Genome position (GRCh38, 1-based): chr8:41,933,716, C>G on the plus strand (G>C on the coding strand, the complement: KAT6A is on the minus strand). VCF-style: chr8-41933716-C-G. GRCh37 (hg19) VCF-style: chr8-41791234-C-G.
Other names: short protein forms V1502L.
Identifiers: ClinVar variation 2629737 (VCV002629737.1), dbSNP rs149043274, ClinGen allele CA371065680.

ClinVar aggregate classification (germline): Uncertain significance (1 of 4 stars; one submission).

Conditions:
KAT6A-related disorder. Also called: KAT6A-related condition.

Submission:

PreventionGenetics, part of Exact Sciences
Classification: Uncertain significance for KAT6A-related condition. Last evaluated: 2022-12-29. Review status: criteria provided, single submitter. Criteria: ACMG Guidelines, 2015. Collection method: clinical testing. Allele origin: germline.
Comment: The KAT6A c.4504G>C variant is predicted to result in the amino acid substitution p.Val1502Leu. To our knowledge, this variant has not been reported in the literature or in a large population database, indicating this variant is rare. At this time, the clinical significance of this variant is uncertain due to the absence of conclusive functional and genetic evidence.